The following is an entry in ClinVar:

ClinVar aggregate classification (germline): Uncertain significance. Review status: criteria provided, multiple submitters, no conflicts (2 of 4 stars). 2 submissions from 2 submitters: Uncertain significance (2). Last evaluated 2022-09-13.

Conditions:
Hereditary nonpolyposis colorectal neoplasms. Identifiers: MedGen C0009405, MeSH D003123.
Lynch syndrome. Identifiers: Orphanet 144, MedGen C4552100, MONDO:0005835. Disease mechanism: loss of function.

Submissions (2):

Department of Pathology and Laboratory Medicine, Sinai Health System
Classification: Uncertain significance for Lynch syndrome. Last evaluated: 2022-09-13. Review status: criteria provided, single submitter. Criteria: ACMG Guidelines, 2015. Collection method: clinical testing. Allele origin: germline. Affected: yes.

Labcorp Genetics (formerly Invitae), Labcorp
Classification: Uncertain significance for Hereditary nonpolyposis colorectal neoplasms. Last evaluated: 2021-12-30. Review status: criteria provided, single submitter. Criteria: Invitae Variant Classification Sherloc (09022015). Collection method: clinical testing. Allele origin: germline.
Comment: In summary, the available evidence is currently insufficient to determine the role of this variant in disease. Therefore, it has been classified as a Variant of Uncertain Significance. This variant disrupts the p.Asp699 amino acid residue in PMS2. Other variant(s) that disrupt this residue have been determined to be pathogenic (PMID: 20205264, 23012243, 23729388, 28514183; Invitae). This suggests that this residue is clinically significant, and that variants that disrupt this residue are likely to be disease-causing. Advanced modeling of protein sequence and biophysical properties (such as structural, functional, and spatial information, amino acid conservation, physicochemical variation, residue mobility, and thermodynamic stability) performed at Invitae indicates that this missense variant is expected to disrupt PMS2 protein function. This variant has not been reported in the literature in individuals affected with PMS2-related conditions. The frequency data for this variant in the population databases (gnomAD) is considered unreliable due to the presence of homologous sequence, such as pseudogenes or paralogs, in the genome. This sequence change replaces aspartic acid, which is acidic and polar, with tyrosine, which is neutral and polar, at codon 699 of the PMS2 protein (p.Asp699Tyr).

Literature cited by the submitters: PubMed 20205264 (cited by Labcorp Genetics (formerly Invitae), Labcorp); PubMed 23012243 (cited by Labcorp Genetics (formerly Invitae), Labcorp); PubMed 23729388 (cited by Labcorp Genetics (formerly Invitae), Labcorp); PubMed 28514183 (cited by Labcorp Genetics (formerly Invitae), Labcorp).

NM_000535.7(PMS2):c.2095G>T (p.Asp699Tyr)

Gene: PMS2 (PMS1 homolog 2, mismatch repair system component; minus strand). Cytogenetic location: 7p22.1.
Variant type: single nucleotide variant.
Coding change: c.2095G>T on transcript NM_000535.7 (MANE Select); coding-DNA position 2095, G replaced by T.
Protein change: p.Asp699Tyr; replaces aspartic acid 699 with tyrosine.
Molecular consequence: missense variant. On other transcripts: non-coding transcript variant (1).
Genome position (GRCh38, 1-based): chr7:5,982,903, C>A on the plus strand (G>T on the coding strand, the complement: PMS2 is on the minus strand). VCF-style: chr7-5982903-C-A. GRCh37 (hg19) VCF-style: chr7-6022534-C-A.
Other names: c.1690G>T, p.Asp564Tyr (NM_001018040.1, NM_001322003.2, NM_001322004.2 and 15 more transcripts); c.1939G>T, p.Asp647Tyr (NM_001322006.2, NM_001406870.1); c.1777G>T, p.Asp593Tyr (NM_001322007.2, NM_001322008.2, NM_001406876.1 and 1 more transcripts); c.1534G>T, p.Asp512Tyr (NM_001322010.2, NM_001406906.1, NM_001406907.1); c.1162G>T, p.Asp388Tyr (NM_001322011.2, NM_001322012.2); c.1522G>T, p.Asp508Tyr (NM_001322013.2, NM_001406909.1); c.2095G>T, p.Asp699Tyr (NM_001322014.2, NM_001406871.1); c.1786G>T, p.Asp596Tyr (NM_001322015.2, NM_001406875.1, NM_001406877.1 and 5 more transcripts); and 13 more; short protein forms D564Y, D591Y, D593Y, D761Y, D528Y, D541Y, D544Y, D577Y.
Identifiers: ClinVar variation 1937232 (VCV001937232.6), dbSNP rs587781317, ClinGen allele CA366738008.